The following is an entry in ClinVar:

ClinVar aggregate classification (germline): Pathogenic (1 of 4 stars; one submission).

Conditions:
Glycogen storage disease due to muscle and heart glycogen synthase deficiency. Also called: MUSCLE GLYCOGEN SYNTHASE DEFICIENCY; GSD 0b. Identifiers: Orphanet 137625, MedGen C1969054, MONDO:0012693, OMIM 611556.

Submission:

Labcorp Genetics (formerly Invitae), Labcorp
Classification: Pathogenic for Glycogen storage disease due to muscle and heart glycogen synthase deficiency. Last evaluated: 2021-03-08. Review status: criteria provided, single submitter. Criteria: Invitae Variant Classification Sherloc (09022015). Collection method: clinical testing. Allele origin: germline.
Comment: This sequence change creates a premature translational stop signal (p.Asp135Glufs*18) in the GYS1 gene. It is expected to result in an absent or disrupted protein product. Loss-of-function variants in GYS1 are known to be pathogenic (PMID: 17928598, 19699667). For these reasons, this variant has been classified as Pathogenic. This variant has not been reported in the literature in individuals with GYS1-related conditions. This variant is not present in population databases (ExAC no frequency).

Literature cited by the submitters: PubMed 17928598; PubMed 19699667.

NM_002103.5(GYS1):c.405_420del (p.Asp135fs)

Gene: GYS1 (glycogen synthase 1; minus strand). Cytogenetic location: 19q13.33.
Variant type: Deletion.
Coding change: c.405_420del on transcript NM_002103.5 (MANE Select); coding-DNA positions 405 to 420, 16 bases deleted (TACCTGCAACATCGGA).
Protein change: p.Asp135fs; shifts the reading frame from aspartic acid 135.
Molecular consequence: frameshift variant. On other transcripts: non-coding transcript variant (1), intron variant (1).
Genome position (GRCh38, 1-based): chr19:48,987,266-48,987,281, TCCGATGTTGCAGGTA deleted on the plus strand (TACCTGCAACATCGGA on the coding strand, the reverse complement: GYS1 is on the minus strand); deleting any 16 consecutive bases within chr19:48,987,266-48,987,284 gives the same sequence; the c. name uses the placement nearest the transcript's 3' end. VCF-style (leftmost placement, unchanged base first): chr19-48987265-CTCCGATGTTGCAGGTA-C. GRCh37 (hg19) VCF-style: chr19-49490522-CTCCGATGTTGCAGGTA-C.
Other names: c.301-1246_301-1231del (NM_001161587.2); short protein forms D135fs.
Identifiers: ClinVar variation 1432649 (VCV001432649.6), dbSNP rs2122525139, ClinGen allele CA2573156532.